The following is an entry in ClinVar:

ClinVar aggregate classification (germline): Uncertain significance (1 of 4 stars; one submission).

Allele frequency attached by ClinVar (database versions not stated): 1000 Genomes Project 30x 0.00047; 1000 Genomes Project 0.00060.
gnomAD v4.1: 82 of 1,604,928 alleles (0.0051%); highest among the groups gnomAD compares: East Asian, 0.12%; no homozygotes.

Submission:

Labcorp Genetics (formerly Invitae), Labcorp
Classification: Uncertain significance. Last evaluated: 2022-09-07. Review status: criteria provided, single submitter. Criteria: Invitae Variant Classification Sherloc (09022015). Collection method: clinical testing. Allele origin: germline.
Comment: This sequence change replaces proline, which is neutral and non-polar, with leucine, which is neutral and non-polar, at codon 57 of the ASAH1 protein (p.Pro57Leu). This variant is present in population databases (rs11538152, gnomAD 0.2%). This variant has not been reported in the literature in individuals affected with ASAH1-related conditions. ClinVar contains an entry for this variant (Variation ID: 1428747). Algorithms developed to predict the effect of missense changes on protein structure and function (SIFT, PolyPhen-2, Align-GVGD) all suggest that this variant is likely to be disruptive. In summary, the available evidence is currently insufficient to determine the role of this variant in disease. Therefore, it has been classified as a Variant of Uncertain Significance.

NM_177924.5(ASAH1):c.170C>T (p.Pro57Leu)

Gene: ASAH1 (N-acylsphingosine amidohydrolase 1; minus strand). Cytogenetic location: 8p22.
Variant type: single nucleotide variant.
Coding change: c.170C>T on transcript NM_177924.5 (MANE Select); coding-DNA position 170, C replaced by T.
Protein change: p.Pro57Leu; replaces proline 57 with leucine.
Molecular consequence: missense variant. On other transcripts: 5 prime UTR variant (1).
Genome position (GRCh38, 1-based): chr8:18,071,346, G>A on the plus strand (C>T on the coding strand, the complement: ASAH1 is on the minus strand). VCF-style: chr8-18071346-G-A. GRCh37 (hg19) VCF-style: chr8-17928855-G-A.
Other names: c.239C>T, p.Pro80Leu (NM_001127505.3); c.-26C>T (NM_001363743.2); c.218C>T, p.Pro73Leu (NM_004315.6); short protein forms P57L, P80L, P73L.
Identifiers: ClinVar variation 1428747 (VCV001428747.3), dbSNP rs11538152, ClinGen allele CA4650995.
Genomic context (GRCh38, chr8:18,071,346, plus strand): 5'-GCATCATAGCATACCACTGGTGCCTTGTCAAGCATCAATTCATGCCATCTTTTGTAGGGT[G>A]GTAAGTCAAGATTTATGGTGTACCATGGAACTGCACCTCTGTACCTGTAATGAGAGGTGT-3'
Protein context (NP_808592.2, residues 47-67): VPWYTINLDL[Pro57Leu]PYKRWHELML